The following is an entry in ClinVar:

NM_014423.4(AFF4):c.359C>A (p.Ser120Tyr)

Gene: AFF4 (ALF transcription elongation factor 4; minus strand). Cytogenetic location: 5q31.1.
Variant type: single nucleotide variant.
Coding change: c.359C>A on transcript NM_014423.4 (MANE Select); coding-DNA position 359, C replaced by A.
Protein change: p.Ser120Tyr; replaces serine 120 with tyrosine.
Molecular consequence: missense variant.
Genome position (GRCh38, 1-based): chr5:132,934,706, G>T on the plus strand (C>A on the coding strand, the complement: AFF4 is on the minus strand). VCF-style: chr5-132934706-G-T. GRCh37 (hg19) VCF-style: chr5-132270398-G-T.
Other names: short protein forms S120Y.
Identifiers: ClinVar variation 3698619 (VCV003698619.2).

ClinVar aggregate classification (germline): Uncertain significance (1 of 4 stars; one submission).

Conditions:
Cognitive impairment - coarse facies - heart defects - obesity - pulmonary involvement - short stature - skeletal dysplasia syndrome. Also called: COGNITIVE IMPAIRMENT, COARSE FACIES, HEART DEFECTS, OBESITY, PULMONARY INVOLVEMENT, SHORT STATURE, AND SKELETAL DYSPLASIA; Chops syndrome; AFF4-Related CHOPS Syndrome. Identifiers: Orphanet 444077, MedGen C4085597, MONDO:0014609, OMIM 616368.

gnomAD v4.1: 1 of 1,614,096 alleles (0.000062%); highest among the groups gnomAD compares: Admixed American, 0.0017%; no homozygotes.

Submission:

Labcorp Genetics (formerly Invitae), Labcorp
Classification: Uncertain significance for Cognitive impairment - coarse facies - heart defects - obesity - pulmonary involvement - short stature - skeletal dysplasia syndrome. Last evaluated: 2024-05-01. Review status: criteria provided, single submitter. Criteria: Invitae Variant Classification Sherloc (09022015). Collection method: clinical testing. Allele origin: germline.
Comment: This sequence change replaces serine, which is neutral and polar, with tyrosine, which is neutral and polar, at codon 120 of the AFF4 protein (p.Ser120Tyr). This variant is present in population databases (no rsID available, gnomAD 0.003%). This variant has not been reported in the literature in individuals affected with AFF4-related conditions. Advanced modeling of protein sequence and biophysical properties (such as structural, functional, and spatial information, amino acid conservation, physicochemical variation, residue mobility, and thermodynamic stability) has been performed at Invitae for this missense variant, however the output from this modeling did not meet the statistical confidence thresholds required to predict the impact of this variant on AFF4 protein function. In summary, the available evidence is currently insufficient to determine the role of this variant in disease. Therefore, it has been classified as a Variant of Uncertain Significance.